The following is an entry in ClinVar:

NM_003243.5(TGFBR3):c.41G>A (p.Ser14Asn)

Gene: TGFBR3 (transforming growth factor beta receptor 3; minus strand). Cytogenetic location: 1p22.1.
Variant type: single nucleotide variant.
Coding change: c.41G>A on transcript NM_003243.5 (MANE Select); coding-DNA position 41, G replaced by A.
Protein change: p.Ser14Asn; replaces serine 14 with asparagine.
Molecular consequence: missense variant. On other transcripts: non-coding transcript variant (1).
Genome position (GRCh38, 1-based): chr1:91,861,491, C>T on the plus strand (G>A on the coding strand, the complement: TGFBR3 is on the minus strand). VCF-style: chr1-91861491-C-T. GRCh37 (hg19) VCF-style: chr1-92327048-C-T.
Other names: c.41G>A, p.Ser14Asn (NM_001195683.2, NM_001195684.1); short protein forms S14N.
Identifiers: ClinVar variation 3035128 (VCV003035128.2), dbSNP rs17884205, ClinGen allele CA948194.

ClinVar aggregate classification (germline): Likely benign (0 of 4 stars; one submission).

Conditions:
TGFBR3-related disorder. Also called: TGFBR3-related condition.

Allele frequency attached by ClinVar (database versions not stated): gnomAD exomes 0.00036; ExAC 0.00135; gnomAD 0.00422; TOPMed 0.00462; 1000 Genomes Project 0.00499; 1000 Genomes Project 30x 0.00500; ESP Exome Variant Server 0.00600.

Submission:

PreventionGenetics, part of Exact Sciences
Classification: Likely benign for TGFBR3-related condition. Last evaluated: 2019-03-26. Review status: no assertion criteria provided. Collection method: clinical testing. Allele origin: germline.
Comment: This variant is classified as likely benign based on ACMG/AMP sequence variant interpretation guidelines (Richards et al. 2015 PMID: 25741868, with internal and published modifications).